The following is an entry in ClinVar:

NM_001134363.3(RBM20):c.1499C>A (p.Thr500Lys)

Gene: RBM20 (RNA binding motif protein 20; plus strand). Cytogenetic location: 10q25.2.
Variant type: single nucleotide variant.
Coding change: c.1499C>A on transcript NM_001134363.3 (MANE Select); coding-DNA position 1499, C replaced by A.
Protein change: p.Thr500Lys; replaces threonine 500 with lysine.
Molecular consequence: missense variant.
Genome position (GRCh38, 1-based): chr10:110,784,861, C>A. VCF-style: chr10-110784861-C-A. GRCh37 (hg19) VCF-style: chr10-112544619-C-A.
Other names: short protein forms T500K.
Identifiers: ClinVar variation 4844988 (VCV004844988.1).
Genomic context (GRCh38, chr10:110,784,861, plus strand): 5'-CAAATCTTGGAACATCATACGTGCCCATTCCAGCAAGGTCATTCACTCAGTCAAGCCCCA[C>A]ATTTCCTTTGGCTTCTGTGGGGACAACTGTGAGTACGGAAACATTTTCTCTAGAAATTAA-3'
Protein context (NP_001127835.2, residues 490-510): PARSFTQSSP[Thr500Lys]FPLASVGTTF

ClinVar aggregate classification (germline): Uncertain significance (1 of 4 stars; one submission).

Conditions:
Cardiovascular phenotype. Identifiers: MedGen CN230736.

gnomAD v4.1: 1 of 1,550,028 alleles (0.000065%); highest among the groups gnomAD compares: Non-Finnish European, 0.000087%; no homozygotes.

Submission:

Ambry Genetics
Classification: Uncertain significance for Cardiovascular phenotype. Last evaluated: 2026-01-17. Review status: criteria provided, single submitter. Criteria: Ambry Variant Classification Scheme 2023. Collection method: clinical testing. Allele origin: germline.
Comment: The p.T500K variant (also known as c.1499C>A), located in coding exon 5 of the RBM20 gene, results from a C to A substitution at nucleotide position 1499. The threonine at codon 500 is replaced by lysine, an amino acid with similar properties. This amino acid position is conserved. In addition, this alteration is predicted to be tolerated by in silico analysis. Based on the available evidence, the clinical significance of this variant remains unclear.